The following is an entry in ClinVar:

ClinVar aggregate classification (germline): Uncertain significance (1 of 4 stars; one submission).

gnomAD v4.1: 1 of 1,598,416 alleles (0.000063%); highest among the groups gnomAD compares: Non-Finnish European, 0.000086%; no homozygotes.

Submission:

Ambry Genetics
Classification: Uncertain significance. Last evaluated: 2025-08-19. Review status: criteria provided, single submitter. Criteria: Ambry Variant Classification Scheme 2023. Collection method: clinical testing. Allele origin: germline.
Comment: The p.L204F variant (also known as c.610C>T), located in coding exon 4 of the GEN1 gene, results from a C to T substitution at nucleotide position 610. The leucine at codon 204 is replaced by phenylalanine, an amino acid with highly similar properties. This amino acid position is conserved. In addition, this alteration is predicted to be deleterious by in silico analysis. Based on the available evidence, the clinical significance of this variant remains unclear.

NM_001130009.3(GEN1):c.610C>T (p.Leu204Phe)

Gene: GEN1 (GEN1 Holliday junction 5' flap endonuclease; plus strand). Cytogenetic location: 2p24.2.
Variant type: single nucleotide variant.
Coding change: c.610C>T on transcript NM_001130009.3 (MANE Select); coding-DNA position 610, C replaced by T.
Protein change: p.Leu204Phe; replaces leucine 204 with phenylalanine.
Molecular consequence: missense variant.
Genome position (GRCh38, 1-based): chr2:17,766,663, C>T. VCF-style: chr2-17766663-C-T. GRCh37 (hg19) VCF-style: chr2-17947930-C-T.
Other names: c.610C>T, p.Leu204Phe (NM_182625.5); short protein forms L204F.
Identifiers: ClinVar variation 4263081 (VCV004263081.1).